The following is an entry in ClinVar:

ClinVar aggregate classification (germline): Uncertain significance (1 of 4 stars; one submission).

Conditions:
Hereditary cancer-predisposing syndrome. Also called: Neoplastic Syndromes, Hereditary; Tumor predisposition; Hereditary Cancer Syndrome; Hereditary neoplastic syndrome. Identifiers: Orphanet 140162, MedGen C0027672, MeSH D009386, MONDO:0015356.

Submission:

Ambry Genetics
Classification: Uncertain significance for Hereditary cancer-predisposing syndrome. Last evaluated: 2021-12-11. Review status: criteria provided, single submitter. Criteria: Ambry Variant Classification Scheme 2023. Collection method: clinical testing. Allele origin: germline.
Comment: The p.N618H variant (also known as c.1852A>C), located in coding exon 6 of the BLM gene, results from an A to C substitution at nucleotide position 1852. The asparagine at codon 618 is replaced by histidine, an amino acid with similar properties. This amino acid position is conserved. In addition, this alteration is predicted to be tolerated by in silico analysis. Since supporting evidence is limited at this time, the clinical significance of this alteration remains unclear.

NM_000057.4(BLM):c.1852A>C (p.Asn618His)

Gene: BLM (BLM RecQ like helicase; plus strand). Cytogenetic location: 15q26.1.
Variant type: single nucleotide variant.
Coding change: c.1852A>C on transcript NM_000057.4 (MANE Select); coding-DNA position 1852, A replaced by C.
Protein change: p.Asn618His; replaces asparagine 618 with histidine.
Molecular consequence: missense variant.
Genome position (GRCh38, 1-based): chr15:90,761,225, A>C. VCF-style: chr15-90761225-A-C. GRCh37 (hg19) VCF-style: chr15-91304455-A-C.
Other names: c.1852A>C, p.Asn618His (NM_001287246.2, NM_001287247.2); c.727A>C, p.Asn243His (NM_001287248.2); short protein forms N243H, N618H.
Identifiers: ClinVar variation 1781346 (VCV001781346.2), dbSNP rs2505429696, ClinGen allele CA393843979.